The following is an entry in ClinVar:

ClinVar aggregate classification (germline): Pathogenic (1 of 4 stars; one submission).

Conditions:
Hereditary cancer-predisposing syndrome. Also called: Hereditary neoplastic syndrome; Neoplastic Syndromes, Hereditary; Tumor predisposition; Hereditary Cancer Syndrome. Identifiers: Orphanet 140162, MedGen C0027672, MeSH D009386, MONDO:0015356.

gnomAD v4.1: 2 of 1,614,020 alleles (0.00012%); highest among the groups gnomAD compares: Non-Finnish European, 0.00017%; no homozygotes.

Submission:

Ambry Genetics
Classification: Pathogenic for Hereditary cancer-predisposing syndrome. Last evaluated: 2024-12-27. Review status: criteria provided, single submitter. Criteria: Ambry Variant Classification Scheme 2023. Collection method: clinical testing. Allele origin: germline.
Comment: The p.W863* pathogenic mutation (also known as c.2588G>A), located in coding exon 18 of the BRIP1 gene, results from a G to A substitution at nucleotide position 2588. This changes the amino acid from a tryptophan to a stop codon within coding exon 18. This variant is considered to be rare based on population cohorts in the Genome Aggregation Database (gnomAD). This alteration is expected to result in loss of function by premature protein truncation or nonsense-mediated mRNA decay. As such, this alteration is interpreted as a disease-causing mutation.

NM_032043.3(BRIP1):c.2588G>A (p.Trp863Ter)

Gene: BRIP1 (BRCA1 interacting DNA helicase 1; minus strand). Cytogenetic location: 17q23.2.
Variant type: single nucleotide variant.
Coding change: c.2588G>A on transcript NM_032043.3 (MANE Select); coding-DNA position 2588, G replaced by A.
Protein change: p.Trp863Ter; replaces tryptophan 863 with a stop codon.
Molecular consequence: nonsense.
Genome position (GRCh38, 1-based): chr17:61,686,153, C>T on the plus strand (G>A on the coding strand, the complement: BRIP1 is on the minus strand). VCF-style: chr17-61686153-C-T. GRCh37 (hg19) VCF-style: chr17-59763514-C-T.
Other names: short protein forms W863*.
Identifiers: ClinVar variation 3825666 (VCV003825666.1).